The following is an entry in ClinVar:

NM_000384.3(APOB):c.8882A>T (p.Asn2961Ile)

Gene: APOB (apolipoprotein B; minus strand). Cytogenetic location: 2p24.1.
Variant type: single nucleotide variant.
Coding change: c.8882A>T on transcript NM_000384.3 (MANE Select); coding-DNA position 8882, A replaced by T.
Protein change: p.Asn2961Ile; replaces asparagine 2961 with isoleucine.
Molecular consequence: missense variant.
Genome position (GRCh38, 1-based): chr2:21,007,986, T>A on the plus strand (A>T on the coding strand, the complement: APOB is on the minus strand). VCF-style: chr2-21007986-T-A. GRCh37 (hg19) VCF-style: chr2-21230858-T-A.
Other names: c.8882A>T (NM_000384.2); short protein forms N2961I.
Identifiers: ClinVar variation 2156926 (VCV002156926.7), dbSNP rs142756262, ClinGen allele CA066090.

ClinVar aggregate classification (germline): Conflicting classifications of pathogenicity. Review status: criteria provided, conflicting classifications (1 of 4 stars). 4 submissions from 4 submitters: Uncertain significance (3); Likely benign (1). Last evaluated 2025-08-26.

Conditions:
Cardiovascular phenotype. Identifiers: MedGen CN230736.
Familial hypobetalipoproteinemia 1. Also called: APOB-Related Familial Hypobetalipoproteinemia; Hypobetalipoproteinemia, normotriglyceridemic; Acanthocytosis with hypobetalipoproteinemia. Identifiers: MedGen C4551990, MONDO:0014252, OMIM 615558.
Hypercholesterolemia, autosomal dominant, type B (FHCL2). Also called: Hyperlipoproteinemia Type IIb; Familial Hypercholesterolemia Type B; APOLIPOPROTEIN B-100, FAMILIAL DEFECTIVE; APOLIPOPROTEIN B-100, FAMILIAL LIGAND-DEFECTIVE; HYPERCHOLESTEROLEMIA, FAMILIAL, DUE TO LIGAND-DEFECTIVE APOLIPOPROTEIN B; APOB-Related Familial Hypercholesterolemia, Autosomal Dominant. Identifiers: MedGen C1704417, MONDO:0007751, OMIM 144010.

gnomAD v4.1: 28 of 1,613,978 alleles (0.0017%); highest among the groups gnomAD compares: Admixed American, 0.017%; no homozygotes.

Submissions (4):

Ambry Genetics
Classification: Uncertain significance for Cardiovascular phenotype. Last evaluated: 2025-08-26. Review status: criteria provided, single submitter. Criteria: Ambry Variant Classification Scheme 2023. Collection method: clinical testing. Allele origin: germline.
Comment: The p.N2961I variant (also known as c.8882A>T), located in coding exon 26 of the APOB gene, results from an A to T substitution at nucleotide position 8882. The asparagine at codon 2961 is replaced by isoleucine, an amino acid with dissimilar properties. This amino acid position is not well conserved in available vertebrate species. In addition, this alteration is predicted to be tolerated by in silico analysis. Based on the available evidence, the clinical significance of this variant remains unclear.

Labcorp Genetics (formerly Invitae), Labcorp
Classification: Likely benign for Familial hypobetalipoproteinemia 1; Hypercholesterolemia, autosomal dominant, type B. Last evaluated: 2025-06-24. Review status: criteria provided, single submitter. Criteria: Invitae Variant Classification Sherloc (09022015). Collection method: clinical testing. Allele origin: germline.

Quest Diagnostics Nichols Institute San Juan Capistrano
Classification: Uncertain significance. Last evaluated: 2025-04-30. Review status: criteria provided, single submitter. Criteria: Quest Diagnostics criteria. Collection method: clinical testing. Allele origin: unknown.
Comment: The APOB c.8882A>T (p.Asn2961Ile) variant has been reported in the published literature in a cohort of UK BioBank participants (PMID: 36042188 (2022)). The frequency of this variant in the general population (Genome Aggregation Database) is uninformative in the assessment of its pathogenicity. Analysis of this variant using bioinformatics tools for the prediction of the effect of amino acid changes on protein structure and function yielded conflicting predictions that this variant is benign or damaging. Based on the available information, we are unable to determine the clinical significance of this variant.

GeneDx
Classification: Uncertain significance. Last evaluated: 2023-09-22. Review status: criteria provided, single submitter. Criteria: GeneDx Variant Classification Process June 2021. Collection method: clinical testing. Allele origin: germline. Affected: yes.
Comment: In silico analysis supports that this missense variant has a deleterious effect on protein structure/function; Has not been previously published as pathogenic or benign to our knowledge

Literature cited by the submitters: PubMed 36042188 (cited by Quest Diagnostics Nichols Institute San Juan Capistrano).